The following is an entry in ClinVar:

ClinVar aggregate classification (germline): Pathogenic. Review status: criteria provided, multiple submitters, no conflicts (2 of 4 stars). 5 submissions from 5 submitters: Pathogenic (4). 1 of the submissions does not count toward it. Last evaluated 2025-07-16.

Conditions:
Phenylketonuria (PKU). Also called: Phenylketonuria (PKU); FOLLING DISEASE; OLIGOPHRENIA PHENYLPYRUVICA; Phenylketonurias. Identifiers: Orphanet 716, MedGen C0031485, MONDO:0009861, OMIM 261600. Disease mechanism: loss of function.

Allele frequency attached by ClinVar (database versions not stated): gnomAD exomes below 0.00001.
gnomAD v4.1: 2 of 1,614,036 alleles (0.00012%); highest among the groups gnomAD compares: Non-Finnish European, 0.00017%; no homozygotes.

Submissions (5):

Labcorp Genetics (formerly Invitae), Labcorp
Classification: Pathogenic for Phenylketonuria. Last evaluated: 2025-07-16. Review status: criteria provided, single submitter. Criteria: Invitae Variant Classification Sherloc (09022015). Collection method: clinical testing. Allele origin: germline.
Comment: This sequence change replaces aspartic acid, which is acidic and polar, with tyrosine, which is neutral and polar, at codon 129 of the PAH protein (p.Asp129Tyr). This variant is not present in population databases (gnomAD no frequency). This missense change has been observed in individual(s) with phenylketonuria (PMID: 26542770, 33465300; internal data). In at least one individual the data is consistent with being in trans (on the opposite chromosome) from a pathogenic variant. ClinVar contains an entry for this variant (Variation ID: 102660). Invitae Evidence Modeling of protein sequence and biophysical properties (such as structural, functional, and spatial information, amino acid conservation, physicochemical variation, residue mobility, and thermodynamic stability) indicates that this missense variant is expected to disrupt PAH protein function with a positive predictive value of 80%. This variant disrupts the p.Asp129 amino acid residue in PAH. Other variant(s) that disrupt this residue have been determined to be pathogenic (PMID: 9359039, 23559577). This suggests that this residue is clinically significant, and that variants that disrupt this residue are likely to be disease-causing. For these reasons, this variant has been classified as Pathogenic.

Natera, Inc.
Classification: Pathogenic for Phenylketonuria. Last evaluated: 2024-03-22. Review status: criteria provided, single submitter. Criteria: Natera Variant Classification Schema (03/2026). Collection method: clinical testing. Allele origin: germline.
Comment: The c.385G>T variant in PAH is a missense variant predicted to cause substitution of aspartic acid to tyrosine at amino acid 129. This variant is rare in the general population with a frequency below the threshold expected for the associated phenotype(s). This variant has been observed in one or more individuals affected with the associated recessive disease, as either homozygous or compound heterozygous with a second variant (PMID: 26542770, 32668217). Given the available evidence, this variant is classified as Pathogenic.

Women's Health and Genetics/Laboratory Corporation of America, LabCorp
Classification: Pathogenic for Phenylketonuria. Last evaluated: 2023-07-25. Review status: criteria provided, single submitter. Criteria: LabCorp Variant Classification Summary - May 2015. Collection method: clinical testing. Allele origin: germline.
Comment: Variant summary: PAH c.385G>T (p.Asp129Tyr) results in a non-conservative amino acid change located in the Aromatic amino acid hydroxylase, C-terminal domain (IPR019774) of the encoded protein sequence. Five of five in-silico tools predict a damaging effect of the variant on protein function. The variant was absent in 251440 control chromosomes (gnomAD). c.385G>T has been reported in the literature in multiple individuals affected with Phenylalanine Hydroxylase Deficiency (Phenylketonuria) (examples: Rajabi_2019, Ferreira_2021). These data indicate that the variant is very likely to be associated with disease. The following publications have been ascertained in the context of this evaluation (PMID: 33465300, 31623983). Two submitters have cited clinical-significance assessments for this variant to ClinVar after 2014. All submitters classified the variant as pathogenic/likely pathogenic. Based on the evidence outlined above, the variant was classified as pathogenic.

GeneDx
Classification: Pathogenic. Last evaluated: 2015-03-17. Review status: criteria provided, single submitter. Criteria: GeneDx Variant Classification (06012015). Collection method: clinical testing. Allele origin: germline. Affected: yes.
Comment: The D129Y missense mutation in the PAH gene has been reported as a pathogenic mutation in the PAH Consortium database. The variant is found in PAH panel(s).

DeBelle Laboratory for Biochemical Genetics, MUHC/MCH RESEARCH INSTITUTE
No classification provided. Review status: no classification provided. Collection method: not provided. Allele origin: not provided. Not counted in ClinVar's aggregate classification.

Literature cited by the submitters: PubMed 26542770 (cited by Labcorp Genetics (formerly Invitae), Labcorp and Natera, Inc.); PubMed 33465300 (cited by Labcorp Genetics (formerly Invitae), Labcorp and Women's Health and Genetics/Laboratory Corporation of America, LabCorp); PubMed 9359039 (cited by Labcorp Genetics (formerly Invitae), Labcorp); PubMed 23559577 (cited by Labcorp Genetics (formerly Invitae), Labcorp); PubMed 32668217 (cited by Natera, Inc.); PubMed 31623983 (cited by Women's Health and Genetics/Laboratory Corporation of America, LabCorp).

NM_000277.3(PAH):c.385G>T (p.Asp129Tyr)

Gene: PAH (phenylalanine hydroxylase; minus strand). Cytogenetic location: 12q23.2.
Variant type: single nucleotide variant.
Coding change: c.385G>T on transcript NM_000277.3 (MANE Select); coding-DNA position 385, G replaced by T.
Protein change: p.Asp129Tyr; replaces aspartic acid 129 with tyrosine.
Molecular consequence: missense variant.
Genome position (GRCh38, 1-based): chr12:102,877,518, C>A on the plus strand (G>T on the coding strand, the complement: PAH is on the minus strand). VCF-style: chr12-102877518-C-A. GRCh37 (hg19) VCF-style: chr12-103271296-C-A.
Other names: p.D129Y:GAC>TAC; c.385G>T (NM_000277.2); c.385G>T, p.Asp129Tyr (NM_001354304.2); short protein forms D129Y.
Identifiers: ClinVar variation 102660 (VCV000102660.15), dbSNP rs199475606, ClinGen allele CA286503.